The following is an entry in ClinVar:

NM_004278.4(PIGL):c.734G>A (p.Arg245Lys)

Gene: PIGL (phosphatidylinositol glycan anchor biosynthesis class L; plus strand). Cytogenetic location: 17p11.2.
Variant type: single nucleotide variant.
Coding change: c.734G>A on transcript NM_004278.4 (MANE Select); coding-DNA position 734, G replaced by A.
Protein change: p.Arg245Lys; replaces arginine 245 with lysine.
Molecular consequence: missense variant. On other transcripts: synonymous variant (1).
Genome position (GRCh38, 1-based): chr17:16,325,873, G>A. VCF-style: chr17-16325873-G-A. GRCh37 (hg19) VCF-style: chr17-16229187-G-A.
Other names: c.702G>A, p.Glu234= (NM_001411072.1); c.734G>A (NM_004278.3); short protein forms R245K.
Identifiers: ClinVar variation 2169034 (VCV002169034.5), dbSNP rs1040922241, ClinGen allele CA288216401.
Genomic context (GRCh38, chr17:16,325,873, plus strand): 5'-GCCACCGCAGCCAGCTCCTCTGGTTCCGCCGCCTCTACATTATCTTCTCCCGGTACATGA[G>A]AATCAACTCACTGAGCTTCCTCTGAAGCCTTGAAGGGTTTTCAGATCCAAGGAACAAAGG-3'
Protein context (NP_004269.1, residues 235-252): RLYIIFSRYM[Arg245Lys]INSLSFL

ClinVar aggregate classification (germline): Uncertain significance. Review status: criteria provided, multiple submitters, no conflicts (2 of 4 stars). 2 submissions from 2 submitters: Uncertain significance (2). Last evaluated 2025-08-27.

Conditions:
Inborn genetic diseases. Identifiers: MedGen C0950123, MeSH D030342.

Allele frequency attached by ClinVar (database versions not stated): gnomAD 0.00001; gnomAD exomes 0.00001; TOPMed 0.00002.
gnomAD v4.1: 18 of 1,613,586 alleles (0.0011%); highest among the groups gnomAD compares: Non-Finnish European, 0.0015%; no homozygotes.

Submissions (2):

Ambry Genetics
Classification: Uncertain significance for Inborn genetic diseases. Last evaluated: 2025-08-27. Review status: criteria provided, single submitter. Criteria: Ambry Variant Classification Scheme 2023. Collection method: clinical testing. Allele origin: germline.

Labcorp Genetics (formerly Invitae), Labcorp
Classification: Uncertain significance. Last evaluated: 2024-01-08. Review status: criteria provided, single submitter. Criteria: Invitae Variant Classification Sherloc (09022015). Collection method: clinical testing. Allele origin: germline.
Comment: This sequence change replaces arginine, which is basic and polar, with lysine, which is basic and polar, at codon 245 of the PIGL protein (p.Arg245Lys). This variant is present in population databases (no rsID available, gnomAD 0.002%). This variant has not been reported in the literature in individuals affected with PIGL-related conditions. ClinVar contains an entry for this variant (Variation ID: 2169034). An algorithm developed to predict the effect of missense changes on protein structure and function (PolyPhen-2) suggests that this variant is likely to be tolerated. In summary, the available evidence is currently insufficient to determine the role of this variant in disease. Therefore, it has been classified as a Variant of Uncertain Significance.